The following is an entry in ClinVar:

NM_001127511.3(APC):c.166-28466T>G

Gene: APC (APC regulator of Wnt signaling pathway; plus strand). Cytogenetic location: 5q22.2.
Variant type: single nucleotide variant.
Coding change: c.166-28466T>G on transcript NM_001127511.3; 28466 bases into the intron before coding-DNA position 166, T replaced by G.
Molecular consequence: intron variant.
Genome position (GRCh38, 1-based): chr5:112,737,860, T>G. VCF-style: chr5-112737860-T-G. GRCh37 (hg19) VCF-style: chr5-112073557-T-G.
Other names: c.-84T>G (NM_000038.4); c.-192T>G (NM_001127510.1); c.-1053-17013T>G (NM_001407470.1, NM_001407472.1); c.-18-17013T>G (NM_001407447.1, NM_001354895.2, NM_001407456.1 and 7 more transcripts); c.166-28466T>G (NM_001407446.1, NM_001354897.2, NM_001354902.2); c.-42-28466T>G (NM_001407453.1).
Identifiers: ClinVar variation 82736 (VCV000082736.4), dbSNP rs75996864, ClinGen allele CA015580.

ClinVar aggregate classification (germline): other (0 of 4 stars; one submission).

Conditions:
Familial colorectal cancer. Identifiers: MedGen CN280943, MONDO:0023113. Disease mechanism: loss of function.

Submission:

Systems Biology Platform Zhejiang California International NanoSystems Institute
Classification: other for Familial colorectal cancer. Review status: no assertion criteria provided. Collection method: not provided. Allele origin: unknown.
ClinVar note: Converted during submission from cancer to other.